The following continues an entry in ClinVar:

NM_004360.5(CDH1):c.1137G>A (p.Thr379=)

Gene: CDH1. ClinVar aggregate classification (germline): Pathogenic. Pathogenic (1).

Submissions 11 to 21 of 21:

Centre for Mendelian Genomics, University Medical Centre Ljubljana
Classification: Pathogenic for Familial cancer of breast. Last evaluated: 2022-12-09. Review status: criteria provided, single submitter. Criteria: ACMG Guidelines, 2015. Collection method: research. Allele origin: germline. Affected: no. Not counted in ClinVar's aggregate classification.
Comment: PS4_STR, PS3, PM2_SUP, PP1

European Reference Network on Genetic Tumour Risk Syndromes (ERN-GENTURIS), i3s - Instituto de Investigação e Inovação em Saúde, University of Porto
Classification: Pathogenic for Hereditary diffuse gastric adenocarcinoma. Last evaluated: 2022-08-01. Review status: criteria provided, single submitter. Criteria: Lee et al. (Hum Mutat. 2018). Collection method: clinical testing. Allele origin: germline. Inheritance: Autosomal dominant inheritance. Affected: yes. Study: ERN GENTURIS. Not counted in ClinVar's aggregate classification.
Comment: PVS1_Moderate; PS3; PS4; PM2 (PMID: 30311375)

MGZ Medical Genetics Center
Classification: Pathogenic for Hereditary diffuse gastric adenocarcinoma. Last evaluated: 2021-08-23. Review status: criteria provided, single submitter. Criteria: ACMG Guidelines, 2015. Collection method: clinical testing. Allele origin: germline. Affected: yes. Observed: 1 variant allele. Not counted in ClinVar's aggregate classification.
Comment: ACMG criteria applied: PS3, PS4, PVS1_MOD, PM2_SUP, PP3

Women's Health and Genetics/Laboratory Corporation of America, LabCorp
Classification: Pathogenic for Hereditary diffuse gastric adenocarcinoma. Last evaluated: 2021-07-11. Review status: criteria provided, single submitter. Criteria: LabCorp Variant Classification Summary - May 2015. Collection method: clinical testing. Allele origin: germline. Not counted in ClinVar's aggregate classification.
Comment: Variant summary: CDH1 c.1137G>A (p.Thr379Thr) alters a conserved nucleotide located as the last nucleotide of exon 8 adjacent to a canonical splice site and therefore could affect mRNA splicing, leading to a significantly altered protein sequence. Several computational tools predict a significant impact on normal splicing: Two predict the variant abolishes the canonical 5' splicing donor site. Two predict the variant weakens the canonical 5' donor site. At least one publication reports experimental evidence that this variant affects mRNA splicing resulting in a complex aberant pattern of alternatively spliced transcripts (example, Frebourg_2006). The variant was absent in 251452 control chromosomes. c.1137G>A has been reported in the literature in multiple individuals from families affected with Hereditary Diffuse Gastric Cancer (example, Frebourg_2006, Kaurah_2007, More_2007, Niemeyer_2020). These data indicate that the variant is very likely to be associated with disease. Multiple clinical diagnostic laboratories and one expert panel (ClinGen CDH1 Variant Curation Expert Panel) have submitted clinical-significance assessments for this variant to ClinVar after 2014. All submitters classified the variant as pathogenic (n=6 to include the expert panel)/likely pathogenic (n=1). Based on the evidence outlined above, the variant was classified as pathogenic.

Department of Pathology and Laboratory Medicine, Sinai Health System
Classification: Pathogenic for Familial cancer of breast; Ovarian cancer. Last evaluated: 2020-12-21. Review status: criteria provided, single submitter. Criteria: ACMG Guidelines, 2015. Collection method: clinical testing. Allele origin: germline. Affected: yes. Not counted in ClinVar's aggregate classification.

Clinical Genetics and Genomics, Karolinska University Hospital
Classification: Pathogenic. Last evaluated: 2015-02-25. Review status: criteria provided, single submitter. Criteria: ACMG Guidelines, 2015. Collection method: clinical testing. Allele origin: germline. Affected: yes. Observed: 1 variant allele. Not counted in ClinVar's aggregate classification.

Counsyl
Classification: Likely pathogenic for Hereditary diffuse gastric adenocarcinoma. Last evaluated: 2016-07-19. Review status: no assertion criteria provided. Collection method: clinical testing. Allele origin: unknown. Not counted in ClinVar's aggregate classification.

Pathway Genomics
Classification: Pathogenic for Hereditary diffuse gastric cancer. Last evaluated: 2014-07-24. Review status: no assertion criteria provided. Collection method: clinical testing. Allele origin: germline. Not counted in ClinVar's aggregate classification.

OMIM
Classification: Pathogenic for DIFFUSE GASTRIC AND LOBULAR BREAST CANCER SYNDROME WITH CLEFT LIP AND WITH OR WITHOUT CLEFT PALATE. Last evaluated: 2006-02-01. Review status: no assertion criteria provided. Collection method: literature only. Allele origin: germline. Not counted in ClinVar's aggregate classification.

Dr. Peter K. Rogan Lab, Western University
No classification provided (evidence only). Condition: Familial cancer of breast. Review status: no classification provided. Collection method: in vitro. Allele origin: not applicable. Functional consequence: skipped exon. Not counted in ClinVar's aggregate classification.

Dr. Peter K. Rogan Lab, Western University
No classification provided (evidence only). Condition: Familial cancer of breast. Review status: no classification provided. Collection method: in vitro. Allele origin: not applicable. Functional consequence: retained intron. Not counted in ClinVar's aggregate classification.

Literature cited by the submitters: PubMed 21681551 (cited by 7 submitters); PubMed 18427545 (cited by 5 submitters); PubMed 17221870 (cited by 8 submitters); PubMed 17545690 (cited by 7 submitters); PubMed 15831593 (cited by 10 submitters); PubMed 27995193 (cited by 3 submitters); PubMed 19725995 (cited by Labcorp Genetics (formerly Invitae), Labcorp); PubMed 23709761 (cited by 3 submitters); PubMed 26025002 (cited by Labcorp Genetics (formerly Invitae), Labcorp); PubMed 27682646 (cited by 3 submitters); PubMed 17576681 (cited by Labcorp Genetics (formerly Invitae), Labcorp); PubMed 9536098 (cited by Labcorp Genetics (formerly Invitae), Labcorp); PubMed 19965908 (cited by 4 submitters); PubMed 19269290 (cited by Ambry Genetics); PubMed 30426508 (cited by 3 submitters); PubMed 17726045 (cited by Myriad Genetics, Inc.); PubMed 21271559 (cited by Color Diagnostics, LLC DBA Color Health and Department of Pathology and Laboratory Medicine, Sinai Health System); PubMed 32362280 (cited by Color Diagnostics, LLC DBA Color Health and Women's Health and Genetics/Laboratory Corporation of America, LabCorp); PubMed 36436516 (cited by European Reference Network on Genetic Tumour Risk Syndromes (ERN-GENTURIS), i3s - Instituto de Investigação e Inovação em Saúde, University of Porto).